The following is an entry in ClinVar:

ClinVar aggregate classification (germline): Benign (1 of 4 stars; one submission).

Submission:

Mayo Clinic Laboratories, Mayo Clinic
Classification: Benign. Last evaluated: 2025-12-15. Review status: criteria provided, single submitter. Criteria: ACMG Guidelines, 2015. Collection method: clinical testing. Allele origin: germline. Observed: 40 variant alleles.
Comment: BA1

NM_198834.3(ACACA):c.3474+2TA[11]

Gene: ACACA (acetyl-CoA carboxylase alpha; minus strand). Cytogenetic location: 17q12.
Variant type: Microsatellite.
Coding change: c.3474+2TA[11] on transcript NM_198834.3 (MANE Select); 11 copies in a row of the 2-base unit TA starting at c.3474+2; the reference has 12 copies in a row; one copy, 2 bases deleted.
Molecular consequence: splice donor variant.
Genome position (GRCh38, 1-based): chr17:37,224,967-37,224,968, TA deleted on the plus strand (TA on the coding strand, the reverse complement: ACACA is on the minus strand); deleting any 2 consecutive bases within chr17:37,224,967-37,224,990 gives the same sequence; the position shown is the placement nearest the transcript's 3' end. VCF-style (leftmost placement, unchanged base first): chr17-37224966-TTA-T. GRCh37 (hg19) VCF-style: chr17-35581887-TTA-T.
Other names: p.?; c.3363+2TA[11] (NM_198839.3, NM_198836.3); c.3189+2TA[11] (NM_198837.2); c.3129+2TA[11] (NM_198838.2).
Identifiers: ClinVar variation 4684205 (VCV004684205.1).